The following is an entry in ClinVar:

ClinVar aggregate classification (germline): Uncertain significance. Review status: criteria provided, multiple submitters, no conflicts (2 of 4 stars). 3 submissions from 3 submitters: Uncertain significance (3). Last evaluated 2025-11-11.

Conditions:
Cardiomyopathy (CMYO). Also called: Cardiomyopathies. Identifiers: Orphanet 167848, MedGen C0878544, MONDO:0004994, HP:0001638. Inheritance: Various modes of inheritance.
Hypertrophic cardiomyopathy. Also called: HYPERTROPHIC MYOCARDIOPATHY. Identifiers: Orphanet 217569, MedGen C0007194, MeSH D002312, MONDO:0005045, HP:0001639.

gnomAD v4.1: 6 of 1,611,246 alleles (0.00037%); highest among the groups gnomAD compares: South Asian, 0.0011%; no homozygotes.

Submissions (3):

GeneDx
Classification: Uncertain significance. Last evaluated: 2025-11-11. Review status: criteria provided, single submitter. Criteria: GeneDx Variant Classification Process June 2021. Collection method: clinical testing. Allele origin: germline.
Comment: Has not been previously published as pathogenic or benign to our knowledge; Not observed at significant frequency in large population cohorts (gnomAD); In silico analysis supports that this missense variant has a deleterious effect on protein structure/function

Labcorp Genetics (formerly Invitae), Labcorp
Classification: Uncertain significance for Hypertrophic cardiomyopathy. Last evaluated: 2023-10-03. Review status: criteria provided, single submitter. Criteria: Invitae Variant Classification Sherloc (09022015). Collection method: clinical testing. Allele origin: germline.
Comment: This sequence change replaces arginine, which is basic and polar, with tryptophan, which is neutral and slightly polar, at codon 326 of the MYBPC3 protein (p.Arg326Trp). The frequency data for this variant in the population databases is considered unreliable, as metrics indicate poor data quality at this position in the gnomAD database. This variant has not been reported in the literature in individuals affected with MYBPC3-related conditions. ClinVar contains an entry for this variant (Variation ID: 525027). An algorithm developed to predict the effect of missense changes on protein structure and function (PolyPhen-2) suggests that this variant is likely to be tolerated. In summary, the available evidence is currently insufficient to determine the role of this variant in disease. Therefore, it has been classified as a Variant of Uncertain Significance.

CHEO Genetics Diagnostic Laboratory, Children's Hospital of Eastern Ontario
Classification: Uncertain significance for Cardiomyopathy. Last evaluated: 2022-04-14. Review status: criteria provided, single submitter. Criteria: ACMG Guidelines, 2015. Collection method: clinical testing. Allele origin: germline.

NM_000256.3(MYBPC3):c.976C>T (p.Arg326Trp)

Gene: MYBPC3 (myosin binding protein C3; minus strand). Cytogenetic location: 11p11.2.
Variant type: single nucleotide variant.
Coding change: c.976C>T on transcript NM_000256.3 (MANE Select); coding-DNA position 976, C replaced by T.
Protein change: p.Arg326Trp; replaces arginine 326 with tryptophan.
Molecular consequence: missense variant.
Genome position (GRCh38, 1-based): chr11:47,346,321, G>A on the plus strand (C>T on the coding strand, the complement: MYBPC3 is on the minus strand). VCF-style: chr11-47346321-G-A. GRCh37 (hg19) VCF-style: chr11-47367872-G-A.
Other names: c.976C>T, p.Arg326Trp (LRG_386t1); short protein forms R326W.
Identifiers: ClinVar variation 525027 (VCV000525027.10), dbSNP rs776681371, ClinGen allele CA057686.
Genomic context (GRCh38, chr11:47,346,321, plus strand): 5'-GCAGGTCAGTGACGCCGTACTGGAAGGCGATGCGCTCGTACTCAGATGGGGGTGCCTGCC[G>A]TAGGATCTCCCACACGTCCTCCTCTGCTGGTGCCTCCAGCTTCGAGTCCCTGTGTCCCGC-3'
Protein context (NP_000247.2, residues 316-336): PAEEDVWEIL[Arg326Trp]QAPPSEYERI